The following is an entry in ClinVar:

ClinVar aggregate classification (germline): Uncertain significance (1 of 4 stars; one submission).

Conditions:
Fanconi anemia (FA). Also called: Fanconi's anemia. Identifiers: Orphanet 84, MedGen C0015625, MeSH D005199, MONDO:0019391.

Submission:

Labcorp Genetics (formerly Invitae), Labcorp
Classification: Uncertain significance for Fanconi anemia. Last evaluated: 2025-11-18. Review status: criteria provided, single submitter. Criteria: Invitae Variant Classification Sherloc (09022015). Collection method: clinical testing. Allele origin: germline.
Comment: This sequence change replaces glycine, which is neutral and non-polar, with valine, which is neutral and non-polar, at codon 1101 of the FANCD2 protein (p.Gly1101Val). This variant is present in population databases (rs55861547, gnomAD 0.0009%). This variant has not been reported in the literature in individuals affected with FANCD2-related conditions. Invitae Evidence Modeling of protein sequence and biophysical properties (such as structural, functional, and spatial information, amino acid conservation, physicochemical variation, residue mobility, and thermodynamic stability) indicates that this missense variant is not expected to disrupt FANCD2 protein function with a negative predictive value of 80%. In summary, the available evidence is currently insufficient to determine the role of this variant in disease. Therefore, it has been classified as a Variant of Uncertain Significance.

NM_001018115.3(FANCD2):c.3302G>T (p.Gly1101Val)

Genes: FANCD2 (FA complementation group D2; plus strand), FANCD2OS (FANCD2 opposite strand; minus strand). Cytogenetic location: 3p25.3.
Variant type: single nucleotide variant.
Coding change: c.3302G>T on transcript NM_001018115.3 (MANE Select); coding-DNA position 3302, G replaced by T.
Protein change: p.Gly1101Val; replaces glycine 1101 with valine.
Molecular consequence: missense variant. On other transcripts: intron variant (1).
Genome position (GRCh38, 1-based): chr3:10,085,889, G>T. VCF-style: chr3-10085889-G-T. GRCh37 (hg19) VCF-style: chr3-10127573-G-T.
Other names: c.3302G>T, p.Gly1101Val (NM_001319984.2, NM_001374254.1, NM_033084.6); c.3191G>T, p.Gly1064Val (NM_001374253.1); c.*44-4358C>A (NM_173472.2); short protein forms G1064V, G1101V.
Identifiers: ClinVar variation 4798642 (VCV004798642.1).
Genomic context (GRCh38, chr3:10,085,889, plus strand): 5'-CTGAAAATCAGAATTTACTGTATTCAGCCCTCCATGTCCTTAGTAGCCGACTGAAACAGG[G>T]AGAACACAGCCAGCCTTTGGAGGAACTACTCAGGTGAGTCATAACTACATAGCCAAGATT-3'
Protein context (NP_001018125.1, residues 1091-1111): LHVLSSRLKQ[Gly1101Val]EHSQPLEELL